The following is an entry in ClinVar:

NM_000540.3(RYR1):c.6580C>A (p.His2194Asn)

Gene: RYR1 (ryanodine receptor 1; plus strand). Cytogenetic location: 19q13.2.
Variant type: single nucleotide variant.
Coding change: c.6580C>A on transcript NM_000540.3 (MANE Select); coding-DNA position 6580, C replaced by A.
Protein change: p.His2194Asn; replaces histidine 2194 with asparagine.
Molecular consequence: missense variant.
Genome position (GRCh38, 1-based): chr19:38,496,246, C>A. VCF-style: chr19-38496246-C-A. GRCh37 (hg19) VCF-style: chr19-38986886-C-A.
Other names: c.6580C>A, p.His2194Asn (NM_001042723.2); short protein forms H2194N.
Identifiers: ClinVar variation 1063596 (VCV001063596.9), dbSNP rs2145585380, ClinGen allele CA405665668.

ClinVar aggregate classification (germline): Uncertain significance (1 of 4 stars; one submission).

Conditions:
RYR1-related disorder. Also called: RYR1-related condition; RYR1-related disorders. Identifiers: MedGen CN239331.

Submission:

Labcorp Genetics (formerly Invitae), Labcorp
Classification: Uncertain significance for RYR1-related disorder. Last evaluated: 2020-10-06. Review status: criteria provided, single submitter. Criteria: Invitae Variant Classification Sherloc (09022015). Collection method: clinical testing. Allele origin: germline.
Comment: This sequence change replaces histidine with asparagine at codon 2194 of the RYR1 protein (p.His2194Asn). The histidine residue is highly conserved and there is a small physicochemical difference between histidine and asparagine. This variant is not present in population databases (ExAC no frequency). This variant has not been reported in the literature in individuals with RYR1-related conditions. Advanced modeling of protein sequence and biophysical properties (such as structural, functional, and spatial information, amino acid conservation, physicochemical variation, residue mobility, and thermodynamic stability) performed at Invitae indicates that this missense variant is expected to disrupt RYR1 protein function. This missense change is located in a region of the RYR1 protein where a significant number of previously reported RYR1 missense mutations are found (PMID: 16084090). These observations suggest that this may be a clinically significant region of the protein. In summary, the available evidence is currently insufficient to determine the role of this variant in disease. Therefore, it has been classified as a Variant of Uncertain Significance.

Literature cited by the submitters: PubMed 16084090.